The following is an entry in ClinVar:

NM_001365276.2(TNXB):c.9851T>C (p.Val3284Ala)

Gene: TNXB (tenascin XB; minus strand). Cytogenetic location: 6p21.33.
Variant type: single nucleotide variant.
Coding change: c.9851T>C on transcript NM_001365276.2 (MANE Select); coding-DNA position 9851, T replaced by C.
Protein change: p.Val3284Ala; replaces valine 3284 with alanine.
Molecular consequence: missense variant.
Genome position (GRCh38, 1-based): chr6:32,048,557, A>G on the plus strand (T>C on the coding strand, the complement: TNXB is on the minus strand). VCF-style: chr6-32048557-A-G. GRCh37 (hg19) VCF-style: chr6-32016334-A-G.
Other names: c.10592T>C, p.Val3531Ala (NM_001428335.1); c.9845T>C, p.Val3282Ala (NM_019105.8); short protein forms V3282A, V3284A, V3531A.
Identifiers: ClinVar variation 4615177 (VCV004615177.1).

ClinVar aggregate classification (germline): Uncertain significance (1 of 4 stars; one submission).

Conditions:
Cardiovascular phenotype. Identifiers: MedGen CN230736.

Submission:

Ambry Genetics
Classification: Uncertain significance for Cardiovascular phenotype. Last evaluated: 2025-11-15. Review status: criteria provided, single submitter. Criteria: Ambry Variant Classification Scheme 2023. Collection method: clinical testing. Allele origin: germline.
Comment: The p.V3282A variant (also known as c.9845T>C), located in coding exon 28 of the TNXB gene, results from a T to C substitution at nucleotide position 9845. The valine at codon 3282 is replaced by alanine, an amino acid with similar properties. This amino acid position is conserved. In addition, this alteration is predicted to be tolerated by in silico analysis. Based on the available evidence, the clinical significance of this variant remains unclear.